The following is an entry in ClinVar:

ClinVar aggregate classification (germline): Likely benign (1 of 4 stars; one submission).

Conditions:
Marfan syndrome (MFS). Also called: MARFAN SYNDROME, TYPE I; Marfan syndrome type 1; Marfan's syndrome; FBN1-Related Marfan Syndrome; Marfan syndrome, classic. Identifiers: Orphanet 284963, Orphanet 558, MedGen C0024796, MONDO:0007947, OMIM 154700.

Submission:

All of Us Research Program, National Institutes of Health
Classification: Likely benign for Marfan syndrome. Last evaluated: 2024-05-30. Review status: criteria provided, single submitter. Criteria: ACMG Guidelines, 2015. Collection method: clinical testing. Allele origin: germline. Inheritance: Autosomal dominant inheritance. Observed: 1 variant allele, 1 heterozygote.
Comment: This study involves interpretation of variants in research participants for the purpose of population health screening. Participant phenotype was not available at the time of variant classification. Additional details can be found in publication PMID: 35346344, PMCID: PMC8962531

NM_000138.5(FBN1):c.12G>A (p.Gly4=)

Gene: FBN1 (fibrillin 1; minus strand). Cytogenetic location: 15q21.1.
Variant type: single nucleotide variant.
Coding change: c.12G>A on transcript NM_000138.5 (MANE Select); coding-DNA position 12, G replaced by A.
Protein change: p.Gly4=; no amino-acid change (glycine 4 retained).
Molecular consequence: synonymous variant.
Genome position (GRCh38, 1-based): chr15:48,644,758, C>T on the plus strand (G>A on the coding strand, the complement: FBN1 is on the minus strand). VCF-style: chr15-48644758-C-T. GRCh37 (hg19) VCF-style: chr15-48936955-C-T.
Other names: c.12G>A, p.Gly4= (NM_001406716.1, NM_001406717.1, NM_001406718.1).
Identifiers: ClinVar variation 3386872 (VCV003386872.1).